The following is an entry in ClinVar:

ClinVar aggregate classification (germline): Uncertain significance (1 of 4 stars; one submission).

Submission:

CeGaT Center for Human Genetics Tuebingen
Classification: Uncertain significance. Last evaluated: 2025-01-01. Review status: criteria provided, single submitter. Criteria: CeGaT Center For Human Genetics Tuebingen Variant Classification Criteria Version 2. Collection method: clinical testing. Allele origin: germline. Affected: yes. Observed: 1 variant allele.
Comment: DNAH5: PM2, BP2, BP4

NM_001369.3(DNAH5):c.13648A>G (p.Met4550Val)

Gene: DNAH5 (dynein axonemal heavy chain 5; minus strand). Cytogenetic location: 5p15.2.
Variant type: single nucleotide variant.
Coding change: c.13648A>G on transcript NM_001369.3 (MANE Select); coding-DNA position 13648, A replaced by G.
Protein change: p.Met4550Val; replaces methionine 4550 with valine.
Molecular consequence: missense variant.
Genome position (GRCh38, 1-based): chr5:13,700,715, T>C on the plus strand (A>G on the coding strand, the complement: DNAH5 is on the minus strand). VCF-style: chr5-13700715-T-C. GRCh37 (hg19) VCF-style: chr5-13700824-T-C.
Other names: short protein forms M4550V.
Identifiers: ClinVar variation 3772174 (VCV003772174.13).
Genomic context (GRCh38, chr5:13,700,715, plus strand): 5'-AAATCCTTATGACAGGCATCAACTCAAAGAGCACTTTTGGCTTTGATTCAATGAGTTTCA[T>C]GTTCCTCTTGTCCCAGCCAGCACCTTCAAGATATAAGCCATAGACATAGACACCCTCTGT-3'
Protein context (NP_001360.1, residues 4540-4560): LEGAGWDKRN[Met4550Val]KLIESKPKVL